The following is an entry in ClinVar:

ClinVar aggregate classification (germline): Uncertain significance. Review status: criteria provided, multiple submitters, no conflicts (2 of 4 stars). 2 submissions from 2 submitters: Uncertain significance (2). Last evaluated 2025-10-29.

Conditions:
Emery-Dreifuss muscular dystrophy (EDMD). Also called: Scapuloperoneal syndrome, X-linked (formerly); Humeroperoneal neuromuscular disease, (formerly). Identifiers: Orphanet 261, MedGen C0410189, MONDO:0016830.

Allele frequency attached by ClinVar (database versions not stated): TOPMed 0.00002; gnomAD 0.00004; gnomAD exomes 0.00008.
gnomAD v4.1: 140 of 1,613,592 alleles (0.0087%); highest among the groups gnomAD compares: Middle Eastern, 0.033%; no homozygotes.

Submissions (2):

Labcorp Genetics (formerly Invitae), Labcorp
Classification: Uncertain significance for Emery-Dreifuss muscular dystrophy. Last evaluated: 2025-10-29. Review status: criteria provided, single submitter. Criteria: Invitae Variant Classification Sherloc (09022015). Collection method: clinical testing. Allele origin: germline.
Comment: This sequence change replaces arginine, which is basic and polar, with tryptophan, which is neutral and slightly polar, at codon 304 of the SUN2 protein (p.Arg304Trp). This variant is present in population databases (rs199636823, gnomAD 0.02%). This variant has not been reported in the literature in individuals affected with SUN2-related conditions. ClinVar contains an entry for this variant (Variation ID: 461692). An algorithm developed to predict the effect of missense changes on protein structure and function (PolyPhen-2) suggests that this variant is likely to be disruptive. In summary, the available evidence is currently insufficient to determine the role of this variant in disease. Therefore, it has been classified as a Variant of Uncertain Significance.

Ambry Genetics
Classification: Uncertain significance. Last evaluated: 2022-03-29. Review status: criteria provided, single submitter. Criteria: Ambry Variant Classification Scheme 2023. Collection method: clinical testing. Allele origin: germline.

NM_015374.3(SUN2):c.910C>T (p.Arg304Trp)

Genes: GTPBP1 (GTP binding protein 1; plus strand), SUN2 (Sad1 and UNC84 domain containing 2; minus strand). Cytogenetic location: 22q13.1.
Variant type: single nucleotide variant.
Coding change: c.910C>T on transcript NM_015374.3 (MANE Select); coding-DNA position 910, C replaced by T.
Protein change: p.Arg304Trp; replaces arginine 304 with tryptophan.
Molecular consequence: missense variant.
Genome position (GRCh38, 1-based): chr22:38,742,459, G>A on the plus strand (C>T on the coding strand, the complement: SUN2 is on the minus strand). VCF-style: chr22-38742459-G-A. GRCh37 (hg19) VCF-style: chr22-39138464-G-A.
Other names: c.973C>T, p.Arg325Trp (NM_001199579.2); c.910C>T, p.Arg304Trp (NM_001199580.2); short protein forms R304W, R325W.
Identifiers: ClinVar variation 461692 (VCV000461692.10), dbSNP rs199636823, ClinGen allele CA10235722.